The following is an entry in ClinVar:

NM_000327.4(ROM1):c.725G>A (p.Arg242Gln)

Gene: ROM1 (retinal outer segment membrane protein 1; plus strand). Cytogenetic location: 11q12.3.
Variant type: single nucleotide variant.
Coding change: c.725G>A on transcript NM_000327.4 (MANE Select); coding-DNA position 725, G replaced by A.
Protein change: p.Arg242Gln; replaces arginine 242 with glutamine.
Molecular consequence: missense variant.
Genome position (GRCh38, 1-based): chr11:62,614,392, G>A. VCF-style: chr11-62614392-G-A. GRCh37 (hg19) VCF-style: chr11-62381864-G-A.
Other names: short protein forms R242Q.
Identifiers: ClinVar variation 865901 (VCV000865901.7), dbSNP rs767877192, ClinGen allele CA6049826.

ClinVar aggregate classification (germline): Uncertain significance. Review status: criteria provided, multiple submitters, no conflicts (2 of 4 stars). 2 submissions from 2 submitters: Uncertain significance (2). Last evaluated 2025-12-26.

Allele frequency attached by ClinVar (database versions not stated): gnomAD 0.00001; gnomAD exomes 0.00001; ExAC 0.00002; TOPMed 0.00003.
gnomAD v4.1: 24 of 1,613,860 alleles (0.0015%); highest among the groups gnomAD compares: Middle Eastern, 0.016%; no homozygotes.

Submissions (2):

Labcorp Genetics (formerly Invitae), Labcorp
Classification: Uncertain significance. Last evaluated: 2025-12-26. Review status: criteria provided, single submitter. Criteria: Invitae Variant Classification Sherloc (09022015). Collection method: clinical testing. Allele origin: germline.
Comment: This sequence change replaces arginine, which is basic and polar, with glutamine, which is neutral and polar, at codon 242 of the ROM1 protein (p.Arg242Gln). This variant is present in population databases (rs767877192, gnomAD 0.002%). This missense change has been observed in individual(s) with retinitis pigmentosa (PMID: 8595413). ClinVar contains an entry for this variant (Variation ID: 865901). Invitae Evidence Modeling of protein sequence and biophysical properties (such as structural, functional, and spatial information, amino acid conservation, physicochemical variation, residue mobility, and thermodynamic stability) indicates that this missense variant is not expected to disrupt ROM1 protein function with a negative predictive value of 80%. In summary, the available evidence is currently insufficient to determine the role of this variant in disease. Therefore, it has been classified as a Variant of Uncertain Significance.

Blueprint Genetics
Classification: Uncertain significance. Last evaluated: 2021-12-28. Review status: criteria provided, single submitter. Criteria: ACMG Guidelines, 2015. Collection method: clinical testing. Allele origin: germline.

Literature cited by the submitters: PubMed 8595413 (cited by Labcorp Genetics (formerly Invitae), Labcorp).